The following is an entry in ClinVar:

NM_004304.5(ALK):c.1361C>T (p.Ala454Val)

Gene: ALK (ALK receptor tyrosine kinase; minus strand). Cytogenetic location: 2p23.2.
Variant type: single nucleotide variant.
Coding change: c.1361C>T on transcript NM_004304.5 (MANE Select); coding-DNA position 1361, C replaced by T.
Protein change: p.Ala454Val; replaces alanine 454 with valine.
Molecular consequence: missense variant.
Genome position (GRCh38, 1-based): chr2:29,328,403, G>A on the plus strand (C>T on the coding strand, the complement: ALK is on the minus strand). VCF-style: chr2-29328403-G-A. GRCh37 (hg19) VCF-style: chr2-29551269-G-A.
Other names: short protein forms A454V.
Identifiers: ClinVar variation 538225 (VCV000538225.18), dbSNP rs766818130, ClinGen allele CA1594676.

ClinVar aggregate classification (germline): Uncertain significance. Review status: criteria provided, multiple submitters, no conflicts (2 of 4 stars). 4 submissions from 4 submitters: Uncertain significance (4). Last evaluated 2025-11-12.

Conditions:
Hereditary cancer-predisposing syndrome. Also called: Neoplastic Syndromes, Hereditary; Tumor predisposition; Hereditary Cancer Syndrome; Hereditary neoplastic syndrome. Identifiers: Orphanet 140162, MedGen C0027672, MeSH D009386, MONDO:0015356.
Neuroblastoma, susceptibility to, 3. Also called: ALK-Related Neuroblastic Tumor Susceptibility. Identifiers: Orphanet 635, MedGen C2751681, MONDO:0013083, OMIM 613014.

Allele frequency attached by ClinVar (database versions not stated): TOPMed 0.00002.
gnomAD v4.1: 20 of 1,614,170 alleles (0.0012%); highest among the groups gnomAD compares: Non-Finnish European, 0.0017%; no homozygotes.

Submissions (4):

Ambry Genetics
Classification: Uncertain significance for Hereditary cancer-predisposing syndrome. Last evaluated: 2025-11-12. Review status: criteria provided, single submitter. Criteria: Ambry Variant Classification Scheme 2023. Collection method: clinical testing. Allele origin: germline.

Labcorp Genetics (formerly Invitae), Labcorp
Classification: Uncertain significance for Neuroblastoma, susceptibility to, 3. Last evaluated: 2025-10-23. Review status: criteria provided, single submitter. Criteria: Invitae Variant Classification Sherloc (09022015). Collection method: clinical testing. Allele origin: germline.
Comment: This sequence change replaces alanine, which is neutral and non-polar, with valine, which is neutral and non-polar, at codon 454 of the ALK protein (p.Ala454Val). This variant is present in population databases (rs766818130, gnomAD 0.002%). This variant has not been reported in the literature in individuals affected with ALK-related conditions. ClinVar contains an entry for this variant (Variation ID: 538225). An algorithm developed to predict the effect of missense changes on protein structure and function (PolyPhen-2) suggests that this variant is likely to be tolerated. In summary, the available evidence is currently insufficient to determine the role of this variant in disease. Therefore, it has been classified as a Variant of Uncertain Significance.

Institute for Clinical Genetics, University Hospital TU Dresden, University Hospital TU Dresden
Classification: Uncertain significance. Last evaluated: 2021-11-03. Review status: criteria provided, single submitter. Criteria: ACMG Guidelines, 2015. Collection method: clinical testing. Allele origin: germline.

Sema4
Classification: Uncertain significance for Hereditary cancer-predisposing syndrome. Last evaluated: 2021-07-13. Review status: criteria provided, single submitter. Criteria: Sema4 Curation Guidelines. Collection method: curation. Allele origin: germline.
Comment: The ALK c.1361C>T (p.A454V) variant has not been reported in the literature to our knowledge. It was observed in 2/113386 chromosomes of the European (non-Finnish) subpopulation in the large and broad cohorts of the Genome Aggregation Database (PMID: 32461654). This variant has been reported in ClinVar (Variation ID 538225). Functional studies have not been performed and in silico tool predictions of the variants effect on protein function are inconclusive. The evidence is insufficient to meet ACMG/AMP criteria for classifying the variant as benign or pathogenic. Thus, the clinical significance of this variant is currently uncertain.